The following continues an entry in ClinVar:

NM_024675.4(PALB2):c.2590C>T (p.Pro864Ser)

Gene: PALB2. ClinVar aggregate classification (germline): Benign/Likely benign. Benign (12); Likely benign (12).

Submissions 27 to 37 of 37:

True Health Diagnostics
Classification: Likely benign for Hereditary cancer-predisposing syndrome. Last evaluated: 2018-01-12. Review status: no assertion criteria provided. Collection method: clinical testing. Allele origin: germline. Not counted in ClinVar's aggregate classification.

Pathway Genomics
Classification: Benign for Breast carcinoma. Last evaluated: 2014-11-06. Review status: no assertion criteria provided. Collection method: clinical testing. Allele origin: germline. Not counted in ClinVar's aggregate classification.

ITMI
No classification provided. Condition: AllHighlyPenetrant. Last evaluated: 2013-09-19. Review status: no classification provided. Collection method: reference population. Allele origin: germline. Not counted in ClinVar's aggregate classification.
Comment: Please see associated publication for description of ethnicities

Center of Medical Genetics and Primary Health Care
Classification: Benign for Breast Cancer. Review status: no assertion criteria provided. Collection method: clinical testing. Allele origin: germline. Affected: yes. Not counted in ClinVar's aggregate classification.

Clinical Genetics DNA and cytogenetics Diagnostics Lab, Erasmus MC, Erasmus Medical Center
Classification: Likely benign. Review status: no assertion criteria provided. Collection method: clinical testing. Allele origin: germline. Affected: yes. Study: VKGL Data-share Consensus. Not counted in ClinVar's aggregate classification.

Clinical Genetics Laboratory, Department of Pathology, Netherlands Cancer Institute
Classification: Likely benign. Review status: no assertion criteria provided. Collection method: clinical testing. Allele origin: germline. Affected: yes. Study: VKGL Data-share Consensus. Not counted in ClinVar's aggregate classification.

Department of Pathology and Laboratory Medicine, Sinai Health System
Classification: Benign for Malignant tumor of breast. Review status: no assertion criteria provided. Collection method: clinical testing. Allele origin: unknown. Affected: yes. Observed: 2 variant alleles. Study: The Canadian Open Genetics Repository (COGR). Not counted in ClinVar's aggregate classification.
Comment: The PALB2 p.Pro864Ser variant was identified in 62 of 12244 proband chromosomes (frequency: 0.005) in multinational cohorts of BRCA1 and BRCA2 negative breast and breast-ovarian cancer families, male breast cancer cases, triple negative breast cancer cases, women with breast cancer who had a personal or family history of pancreatic cancer, familial pancreatic cancer, families with 2 or more prostate cancer cases, unselected breast and ovarian cancers, and hereditary prostate cancer families; and was identified in 14 of 3250 control chromosomes (freq. 0.004) (Balia 2010, Blanco 2012, Catucci 2014, Ding 2011, Downs 2015 , Garcia 2009, Guenard 2010, Hofstatter 2011, Hellebrand 2011, Rahman 2007, Sauty de Chalon 2010, Teo 2013, Zheng 2012, Zhen 2015, Adank 2011, Aoude 2014, Papi 2010). The variant was also identified in dbSNP (ID: rs45568339) as â€šÃ„ÃºOtherâ€šÃ„Ã¹, ClinVar (classified as benign by Invitae, Ambry Genetics, Pathway Genomics; likely benign by GeneDx, Vantari Genetics, Illumina, PALB2 database, Cancer Genetics Laboratory, Peter MacCallum Cancer Center; classification not provided by ITMI), Clinvitae (with conflicting interpretations of pathogenicity), LOVD 3.0 (19X), and Zhejiang Colon Cancer Database (3X); and was not identified in Cosmic and MutDB databases. The variant was identified in control databases in 755 (2 homozygous) of 277236 chromosomes at a frequency of 0.003 increasing the likelihood this could be a low frequency benign variant (Genome Aggregation Consortium Feb 27, 2017), identified in the following population at a frequency greater than 1%: Ashkenazi Jewish* in 113 of 10152 chromosomes (freq: 0.011). The p.Pro864Ser residue is not conserved in mammals and four out of five computational analyses (PolyPhen-2, SIFT, AlignGVGD, BLOSUM, MutationTaster) do not suggest a high likelihood of impact to the protein; however, this information is not predictive enough to rule out pathogenicity. The variant occurs outside of the splicing consensus sequence and in silico or computational prediction software programs (SpliceSiteFinder, MaxEntScan, NNSPLICE, GeneSplicer, HumanSpliceFinder) do not predict a difference in splicing. In summary, based on the above information this variant meets our laboratory's criteria to be classified as benign.

Genome Diagnostics Laboratory, Amsterdam University Medical Center
Classification: Likely benign. Review status: no assertion criteria provided. Collection method: clinical testing. Allele origin: germline. Affected: yes. Study: VKGL Data-share Consensus. Not counted in ClinVar's aggregate classification.

Genome Diagnostics Laboratory, University Medical Center Utrecht
Classification: Likely benign. Review status: no assertion criteria provided. Collection method: clinical testing. Allele origin: germline. Affected: yes. Study: VKGL Data-share Consensus. Not counted in ClinVar's aggregate classification.

Joint Genome Diagnostic Labs from Nijmegen and Maastricht, Radboudumc and MUMC+
Classification: Likely benign. Review status: no assertion criteria provided. Collection method: clinical testing. Allele origin: germline. Affected: yes. Study: VKGL Data-share Consensus. Not counted in ClinVar's aggregate classification.

Laboratory of Diagnostic Genome Analysis, Leiden University Medical Center (LUMC)
Classification: Likely benign. Review status: no assertion criteria provided. Collection method: clinical testing. Allele origin: germline. Affected: yes. Study: VKGL Data-share Consensus. Not counted in ClinVar's aggregate classification.

Literature cited by the submitters: PubMed 26283626 (cited by Quest Diagnostics Nichols Institute San Juan Capistrano); PubMed 21618343 (cited by 3 submitters); PubMed 27153395 (cited by Quest Diagnostics Nichols Institute San Juan Capistrano); PubMed 18302019 (cited by Quest Diagnostics Nichols Institute San Juan Capistrano and Leiden Open Variation Database); PubMed 25666743 (cited by Quest Diagnostics Nichols Institute San Juan Capistrano); PubMed 20852946 (cited by Quest Diagnostics Nichols Institute San Juan Capistrano); PubMed 28279176 (cited by Quest Diagnostics Nichols Institute San Juan Capistrano); PubMed 23935836 (cited by Quest Diagnostics Nichols Institute San Juan Capistrano and Leiden Open Variation Database); PubMed 23448497 (cited by Quest Diagnostics Nichols Institute San Juan Capistrano and Leiden Open Variation Database); PubMed 21932393 (cited by Quest Diagnostics Nichols Institute San Juan Capistrano and Leiden Open Variation Database); PubMed 24206657 (cited by Quest Diagnostics Nichols Institute San Juan Capistrano and Leiden Open Variation Database); PubMed 24728327 (cited by Quest Diagnostics Nichols Institute San Juan Capistrano and ITMI); PubMed 25794774 (cited by Quest Diagnostics Nichols Institute San Juan Capistrano); PubMed 25447460 (cited by Quest Diagnostics Nichols Institute San Juan Capistrano); PubMed 26564480 (cited by Quest Diagnostics Nichols Institute San Juan Capistrano); PubMed 22052327 (cited by Quest Diagnostics Nichols Institute San Juan Capistrano and Leiden Open Variation Database); PubMed 23824750 (cited by Quest Diagnostics Nichols Institute San Juan Capistrano and Leiden Open Variation Database); PubMed 24949998 (cited by Quest Diagnostics Nichols Institute San Juan Capistrano and Leiden Open Variation Database); PubMed 20722467 (cited by 3 submitters); PubMed 25117502 (cited by Quest Diagnostics Nichols Institute San Juan Capistrano); PubMed 17200668 (cited by 3 submitters); PubMed 20091115 (cited by Quest Diagnostics Nichols Institute San Juan Capistrano); PubMed 20582465 (cited by Quest Diagnostics Nichols Institute San Juan Capistrano); PubMed 19763884 (cited by Quest Diagnostics Nichols Institute San Juan Capistrano); PubMed 18987736 (cited by Quest Diagnostics Nichols Institute San Juan Capistrano); PubMed 23555315 (cited by Quest Diagnostics Nichols Institute San Juan Capistrano); PubMed 26878173 (cited by Quest Diagnostics Nichols Institute San Juan Capistrano); PubMed 25225577 (cited by Quest Diagnostics Nichols Institute San Juan Capistrano); PubMed 26315354 (cited by Quest Diagnostics Nichols Institute San Juan Capistrano); PubMed 25479140 (cited by Quest Diagnostics Nichols Institute San Juan Capistrano and Leiden Open Variation Database); PubMed 25356972 (cited by Quest Diagnostics Nichols Institute San Juan Capistrano and Leiden Open Variation Database); PubMed 24556926 (cited by Quest Diagnostics Nichols Institute San Juan Capistrano and Leiden Open Variation Database); PubMed 31757951 (cited by Quest Diagnostics Nichols Institute San Juan Capistrano); PubMed 33964450 (cited by Quest Diagnostics Nichols Institute San Juan Capistrano); PubMed 31586400 (cited by Quest Diagnostics Nichols Institute San Juan Capistrano); PubMed 31636395 (cited by Quest Diagnostics Nichols Institute San Juan Capistrano); PubMed 21365267 (cited by Leiden Open Variation Database); PubMed 22241545 (cited by Leiden Open Variation Database).